The following is an entry in ClinVar:

ClinVar aggregate classification (germline): Likely benign. Review status: criteria provided, multiple submitters, no conflicts (2 of 4 stars). 3 submissions from 3 submitters: Likely benign (2). 1 of the submissions does not count toward it. Last evaluated 2024-11-22.

Conditions:
DNAH17-related disorder. Also called: DNAH17-related condition.

Allele frequency attached by ClinVar (database versions not stated): TOPMed 0.00025; ESP Exome Variant Server 0.00031; gnomAD 0.00032; ExAC 0.00042; 1000 Genomes Project 0.00140; 1000 Genomes Project 30x 0.00156.
gnomAD v4.1: 551 of 1,614,022 alleles (0.034%); highest among the groups gnomAD compares: South Asian, 0.18%; 2 homozygotes.

Submissions (3):

Blueprint Genetics
Classification: Likely benign. Last evaluated: 2024-11-22. Review status: criteria provided, single submitter. Criteria: ACMG Guidelines, 2015. Collection method: clinical testing. Allele origin: germline.

CeGaT Center for Human Genetics Tuebingen
Classification: Likely benign. Last evaluated: 2022-06-01. Review status: criteria provided, single submitter. Criteria: CeGaT Center For Human Genetics Tuebingen Variant Classification Criteria Version 2. Collection method: clinical testing. Allele origin: germline. Affected: yes. Observed: 1 variant allele.
Comment: DNAH17: BP4, BP7

PreventionGenetics, part of Exact Sciences
Classification: Likely benign for DNAH17-related condition. Last evaluated: 2023-10-03. Review status: no assertion criteria provided. Collection method: clinical testing. Allele origin: germline. Not counted in ClinVar's aggregate classification.
Comment: This variant is classified as likely benign based on ACMG/AMP sequence variant interpretation guidelines (Richards et al. 2015 PMID: 25741868, with internal and published modifications).

NM_173628.4(DNAH17):c.10821G>A (p.Ser3607=)

Gene: DNAH17 (dynein axonemal heavy chain 17; minus strand). Cytogenetic location: 17q25.3.
Variant type: single nucleotide variant.
Coding change: c.10821G>A on transcript NM_173628.4 (MANE Select); coding-DNA position 10821, G replaced by A.
Protein change: p.Ser3607=; no amino-acid change (serine 3607 retained).
Molecular consequence: synonymous variant.
Genome position (GRCh38, 1-based): chr17:78,450,760, C>T on the plus strand (G>A on the coding strand, the complement: DNAH17 is on the minus strand). VCF-style: chr17-78450760-C-T. GRCh37 (hg19) VCF-style: chr17-76446842-C-T.
Other names: c.10821G>A (NM_173628.3).
Identifiers: ClinVar variation 2648352 (VCV002648352.26), dbSNP rs149560839, ClinGen allele CA8800697.
Genomic context (GRCh38, chr17:78,450,760, plus strand): 5'-GGCTGTGTGCTTGGTGGTCTCCAGATTCTCCACCAAGGCCGTGTCTCCCAGAAAGTTCCC[C>T]GACGCAGCCGACAGACGGGCCAGGAGCGAATCTTCCAGCTCTTTCAGAACAATCTTAAAT-3'
Protein context (NP_775899.3, residues 3597-3617): DSLLARLSAA[Ser3607=]GNFLGDTALV